The following is an entry in ClinVar:

NM_001199397.3(NEK1):c.1478G>A (p.Gly493Asp)

Gene: NEK1 (NIMA related kinase 1; minus strand). Cytogenetic location: 4q33.
Variant type: single nucleotide variant.
Coding change: c.1478G>A on transcript NM_001199397.3 (MANE Select); coding-DNA position 1478, G replaced by A.
Protein change: p.Gly493Asp; replaces glycine 493 with aspartic acid.
Molecular consequence: missense variant. On other transcripts: non-coding transcript variant (1), intron variant (3).
Genome position (GRCh38, 1-based): chr4:169,555,804, C>T on the plus strand (G>A on the coding strand, the complement: NEK1 is on the minus strand). VCF-style: chr4-169555804-C-T. GRCh37 (hg19) VCF-style: chr4-170476955-C-T.
Other names: c.1478G>A, p.Gly493Asp (NM_001374418.1, NM_001374419.1, NM_012224.4); c.1427G>A, p.Gly476Asp (NM_001374420.1); c.1352G>A, p.Gly451Asp (NM_001374421.1); c.1355+128G>A (NM_001199399.3); c.1430+128G>A (NM_001199398.3, NM_001199400.3); c.1478G>A (NM_012224.2); short protein forms G476D, G451D, G493D.
Identifiers: ClinVar variation 2076492 (VCV002076492.4), dbSNP rs1466350633, ClinGen allele CA358733735.

ClinVar aggregate classification (germline): Uncertain significance. Review status: criteria provided, multiple submitters, no conflicts (2 of 4 stars). 2 submissions from 2 submitters: Uncertain significance (2). Last evaluated 2024-01-09.

Conditions:
Inborn genetic diseases. Identifiers: MedGen C0950123, MeSH D030342.
Short-rib thoracic dysplasia 6 with or without polydactyly (SRTD6). Also called: Majewski Syndrome; SHORT RIB-POLYDACTYLY SYNDROME, TYPE IIA; SHORT-RIB THORACIC DYSPLASIA 6 WITH POLYDACTYLY; SHORT-RIB THORACIC DYSPLASIA 6 WITHOUT POLYDACTYLY; POLYDACTYLY WITH NEONATAL CHONDRODYSTROPHY, TYPE II. Identifiers: MedGen C0024507, MONDO:0009894, OMIM 263520.

Allele frequency attached by ClinVar (database versions not stated): gnomAD exomes below 0.00001; gnomAD 0.00002; TOPMed 0.00004.

Submissions (2):

Ambry Genetics
Classification: Uncertain significance for Inborn genetic diseases. Last evaluated: 2024-01-09. Review status: criteria provided, single submitter. Criteria: Ambry Variant Classification Scheme 2023. Collection method: clinical testing. Allele origin: germline.

Labcorp Genetics (formerly Invitae), Labcorp
Classification: Uncertain significance for Short-rib thoracic dysplasia 6 with or without polydactyly. Last evaluated: 2023-09-09. Review status: criteria provided, single submitter. Criteria: Invitae Variant Classification Sherloc (09022015). Collection method: clinical testing. Allele origin: germline.
Comment: In summary, the available evidence is currently insufficient to determine the role of this variant in disease. Therefore, it has been classified as a Variant of Uncertain Significance. This sequence change replaces glycine, which is neutral and non-polar, with aspartic acid, which is acidic and polar, at codon 493 of the NEK1 protein (p.Gly493Asp). This variant is present in population databases (no rsID available, gnomAD 0.01%). This variant has not been reported in the literature in individuals affected with NEK1-related conditions. ClinVar contains an entry for this variant (Variation ID: 2076492). Advanced modeling of protein sequence and biophysical properties (such as structural, functional, and spatial information, amino acid conservation, physicochemical variation, residue mobility, and thermodynamic stability) performed at Invitae indicates that this missense variant is not expected to disrupt NEK1 protein function.